The following is an entry in ClinVar:

ClinVar aggregate classification (germline): Benign/Likely benign. Review status: criteria provided, multiple submitters, no conflicts (2 of 4 stars). 10 submissions from 10 submitters: Benign (3); Likely benign (5). 2 of the submissions do not count toward it. Last evaluated 2026-01-20.

Conditions:
Cardiovascular phenotype. Identifiers: MedGen CN230736.
Spinocerebellar ataxia type 19/22 (SCA19). Also called: SPINOCEREBELLAR ATAXIA 19; SPINOCEREBELLAR ATAXIA 22. Identifiers: Orphanet 98772, MedGen C1846367, MONDO:0011819, OMIM 607346.
Brugada syndrome 9 (BRGDA9). Identifiers: Orphanet 130, MedGen C4225340, MONDO:0014621, OMIM 616399.

Allele frequency attached by ClinVar (database versions not stated): gnomAD exomes 0.00011 and 0.00033; ExAC 0.00035; 1000 Genomes Project 0.00120; gnomAD 0.00121 and 0.00128; 1000 Genomes Project 30x 0.00125; TOPMed 0.00153; ESP Exome Variant Server 0.00192.
gnomAD v4.1: 347 of 1,611,802 alleles (0.022%); highest among the groups gnomAD compares: African/African-American, 0.41%; no homozygotes.

Submissions (10):

Labcorp Genetics (formerly Invitae), Labcorp
Classification: Benign for Spinocerebellar ataxia type 19/22. Last evaluated: 2026-01-20. Review status: criteria provided, single submitter. Criteria: Invitae Variant Classification Sherloc (09022015). Collection method: clinical testing. Allele origin: germline.

Women's Health and Genetics/Laboratory Corporation of America, LabCorp
Classification: Benign. Last evaluated: 2025-12-15. Review status: criteria provided, single submitter. Criteria: LabCorp Variant Classification Summary - May 2015. Collection method: clinical testing. Allele origin: germline.

Mayo Clinic Laboratories, Mayo Clinic
Classification: Likely benign. Last evaluated: 2025-06-17. Review status: criteria provided, single submitter. Criteria: ACMG Guidelines, 2015. Collection method: clinical testing. Allele origin: germline. Observed: 1 variant allele.
Comment: BS1, BP4, BP7

Blueprint Genetics
Classification: Likely benign. Last evaluated: 2024-11-23. Review status: criteria provided, single submitter. Criteria: ACMG Guidelines, 2015. Collection method: clinical testing. Allele origin: germline.

Fulgent Genetics
Classification: Likely benign for Spinocerebellar ataxia type 19/22; Brugada syndrome 9. Last evaluated: 2021-08-17. Review status: criteria provided, single submitter. Criteria: ACMG Guidelines, 2015. Collection method: clinical testing. Allele origin: unknown.

GeneDx
Classification: Likely benign. Last evaluated: 2020-07-31. Review status: criteria provided, single submitter. Criteria: GeneDx Variant Classification Process June 2021. Collection method: clinical testing. Allele origin: germline. Affected: yes.

Ambry Genetics
Classification: Benign for Cardiovascular phenotype. Last evaluated: 2016-06-07. Review status: criteria provided, single submitter. Criteria: Ambry Variant Classification Scheme 2023. Collection method: clinical testing. Allele origin: germline.

Breakthrough Genomics
Classification: Likely benign. Review status: criteria provided, single submitter. Criteria: ACMG Guidelines, 2015. Collection method: not provided. Allele origin: germline. Inheritance: Autosomal dominant inheritance. Affected: yes.

Clinical Genetics, Academic Medical Center
Classification: Benign. Review status: no assertion criteria provided. Collection method: clinical testing. Allele origin: germline. Affected: yes. Study: VKGL Data-share Consensus. Not counted in ClinVar's aggregate classification.

Genome Diagnostics Laboratory, University Medical Center Utrecht
Classification: Likely benign. Review status: no assertion criteria provided. Collection method: clinical testing. Allele origin: germline. Affected: yes. Study: VKGL Data-share Consensus. Not counted in ClinVar's aggregate classification.

NM_001378969.1(KCND3):c.117T>C (p.Asp39=)

Gene: KCND3 (potassium voltage-gated channel subfamily D member 3; minus strand). Cytogenetic location: 1p13.2.
Variant type: single nucleotide variant.
Coding change: c.117T>C on transcript NM_001378969.1 (MANE Select); coding-DNA position 117, T replaced by C.
Protein change: p.Asp39=; no amino-acid change (aspartic acid 39 retained).
Molecular consequence: synonymous variant.
Genome position (GRCh38, 1-based): chr1:111,982,610, A>G on the plus strand (T>C on the coding strand, the complement: KCND3 is on the minus strand). VCF-style: chr1-111982610-A-G. GRCh37 (hg19) VCF-style: chr1-112525232-A-G.
Other names: p.Asp39=; c.117T>C, p.Asp39= (NM_001378970.1, NM_004980.5, NM_172198.3).
Identifiers: ClinVar variation 415284 (VCV000415284.23), dbSNP rs12720446, ClinGen allele CA1007647.
Genomic context (GRCh38, chr1:111,982,610, plus strand): 5'-CTCCAGCGTGGTCCTCCAGGTCTGGAACCTCCGCCCACTCACGTTGAGGACAATCAGCTC[A>G]TCCTGCCGCTTGTTCTTGTCGGCCGGGGCCAGGGGCATGGGGCAGTTGGCCACCGGCATC-3'
Protein context (NP_001365898.1, residues 29-49): LAPADKNKRQ[Asp39=]ELIVLNVSGR